The following is an entry in ClinVar:

NM_000089.4(COL1A2):c.892-20T>G

Gene: COL1A2 (collagen type I alpha 2 chain; plus strand). Cytogenetic location: 7q21.3.
Variant type: single nucleotide variant.
Coding change: c.892-20T>G on transcript NM_000089.4 (MANE Select); 20 bases into the intron before coding-DNA position 892, T replaced by G.
Molecular consequence: intron variant.
Genome position (GRCh38, 1-based): chr7:94,409,544, T>G. VCF-style: chr7-94409544-T-G. GRCh37 (hg19) VCF-style: chr7-94038856-T-G.
Identifiers: ClinVar variation 681926 (VCV000681926.9), dbSNP rs750377261, ClinGen allele CA4346862.

ClinVar aggregate classification (germline): Likely benign. Review status: criteria provided, multiple submitters, no conflicts (2 of 4 stars). 2 submissions from 2 submitters: Likely benign (2). Last evaluated 2025-07-24.

Conditions:
Osteogenesis imperfecta type I (OI1). Also called: OI, TYPE I; OSTEOGENESIS IMPERFECTA TARDA; OSTEOGENESIS IMPERFECTA WITH BLUE SCLERAE; Osteogenesis imperfecta type 1; Classic Non-deforming Osteogenesis Imperfecta with Blue Sclerae; Lobstein's Disease. Identifiers: Orphanet 216796, Orphanet 666, MedGen C0023931, MONDO:0008146, OMIM 166200. Disease mechanism: loss of function.
Ehlers-Danlos syndrome, classic type, 1 (EDSCL1). Also called: EDS I; EHLERS-DANLOS SYNDROME, GRAVIS TYPE; EHLERS-DANLOS SYNDROME, SEVERE CLASSIC TYPE; Ehlers-Danlos Syndrome, Classic Type, COL5A1-Related; Ehlers-Danlos syndrome, type 1. Identifiers: MedGen C0268335, MONDO:0019567, OMIM 130000.

Allele frequency attached by ClinVar (database versions not stated): gnomAD 0.00001; TOPMed 0.00001; gnomAD exomes 0.00002 and 0.00004; ExAC 0.00002.
gnomAD v4.1: 26 of 1,614,086 alleles (0.0016%); highest among the groups gnomAD compares: Admixed American, 0.027%; no homozygotes.

Submissions (2):

Labcorp Genetics (formerly Invitae), Labcorp
Classification: Likely benign for Osteogenesis imperfecta type I; Ehlers-Danlos syndrome, classic type, 1. Last evaluated: 2025-07-24. Review status: criteria provided, single submitter. Criteria: Invitae Variant Classification Sherloc (09022015). Collection method: clinical testing. Allele origin: germline.

GeneDx
Classification: Likely benign. Last evaluated: 2018-04-06. Review status: criteria provided, single submitter. Criteria: GeneDx Variant Classification (06012015). Collection method: clinical testing. Allele origin: germline. Affected: yes.
Comment: This variant is considered likely benign or benign based on one or more of the following criteria: it is a conservative change, it occurs at a poorly conserved position in the protein, it is predicted to be benign by multiple in silico algorithms, and/or has population frequency not consistent with disease.